The following is an entry in ClinVar:

NM_001040108.2(MLH3):c.3120T>G (p.Cys1040Trp)

Gene: MLH3 (mutL homolog 3; minus strand). Cytogenetic location: 14q24.3.
Variant type: single nucleotide variant.
Coding change: c.3120T>G on transcript NM_001040108.2 (MANE Select); coding-DNA position 3120, T replaced by G.
Protein change: p.Cys1040Trp; replaces cysteine 1040 with tryptophan.
Molecular consequence: missense variant.
Genome position (GRCh38, 1-based): chr14:75,046,536, A>C on the plus strand (T>G on the coding strand, the complement: MLH3 is on the minus strand). VCF-style: chr14-75046536-A-C. GRCh37 (hg19) VCF-style: chr14-75513239-A-C.
Other names: c.3120T>G, p.Cys1040Trp (NM_014381.3); short protein forms C1040W.
Identifiers: ClinVar variation 1727865 (VCV001727865.2), dbSNP rs2503253692, ClinGen allele CA390436126.

ClinVar aggregate classification (germline): Uncertain significance (1 of 4 stars; one submission).

gnomAD v4.1: 1 of 1,614,182 alleles (0.000062%); no homozygotes.

Submission:

Ambry Genetics
Classification: Uncertain significance. Last evaluated: 2022-06-15. Review status: criteria provided, single submitter. Criteria: Ambry Variant Classification Scheme 2023. Collection method: clinical testing. Allele origin: germline.
Comment: The p.C1040W variant (also known as c.3120T>G), located in coding exon 1 of the MLH3 gene, results from a T to G substitution at nucleotide position 3120. The cysteine at codon 1040 is replaced by tryptophan, an amino acid with highly dissimilar properties. This amino acid position is conserved. In addition, this alteration is predicted to be tolerated by in silico analysis. Since supporting evidence is limited at this time, the clinical significance of this alteration remains unclear.